The following is an entry in ClinVar:

NM_001358530.2(MOCS1):c.226C>G (p.Leu76Val)

Gene: MOCS1 (molybdenum cofactor synthesis 1; minus strand). Cytogenetic location: 6p21.2.
Variant type: single nucleotide variant.
Coding change: c.226C>G on transcript NM_001358530.2 (MANE Select); coding-DNA position 226, C replaced by G.
Protein change: p.Leu76Val; replaces leucine 76 with valine.
Molecular consequence: missense variant. On other transcripts: 5 prime UTR variant (1), intron variant (2).
Genome position (GRCh38, 1-based): chr6:39,927,353, G>C on the plus strand (C>G on the coding strand, the complement: MOCS1 is on the minus strand). VCF-style: chr6-39927353-G-C. GRCh37 (hg19) VCF-style: chr6-39895092-G-C.
Other names: c.226C>G, p.Leu76Val (NM_001075098.4, NM_001358529.2, NM_005943.6); c.-36C>G (NM_001358534.2); c.-11-1508C>G (NM_001358531.2, NM_001358533.2); short protein forms L76V.
Identifiers: ClinVar variation 1485561 (VCV001485561.6), dbSNP rs763820136, ClinGen allele CA364045003.
Genomic context (GRCh38, chr6:39,927,353, plus strand): 5'-ACACCAGCCCAGAGAGGGCCCAGGAAGGTGACTCACATCTGAGGTTGCACTTCTCTGTGA[G>C]GGAGATCCGCAGGTAGCTGTGCTGCCGGCCGAAGCTGTCTGTGAGGAAGGCGGAGAAGGG-3'
Protein context (NP_001345459.1, residues 66-86): GRQHSYLRIS[Leu76Val]TEKCNLRCQY

ClinVar aggregate classification (germline): Uncertain significance (1 of 4 stars; one submission).

Conditions:
Sulfite oxidase deficiency due to molybdenum cofactor deficiency type A. Also called: Molybdenum Cofactor Deficiency A; Molybdenum cofactor deficiency, complementation group A. Identifiers: Orphanet 308386, Orphanet 833, MedGen C1854988, MONDO:0009643, OMIM 252150.

Submission:

Labcorp Genetics (formerly Invitae), Labcorp
Classification: Uncertain significance for Sulfite oxidase deficiency due to molybdenum cofactor deficiency type A. Last evaluated: 2021-10-10. Review status: criteria provided, single submitter. Criteria: Invitae Variant Classification Sherloc (09022015). Collection method: clinical testing. Allele origin: germline.
Comment: This sequence change replaces leucine with valine at codon 76 of the MOCS1 protein (p.Leu76Val). The leucine residue is highly conserved and there is a small physicochemical difference between leucine and valine. This variant is not present in population databases (ExAC no frequency). Algorithms developed to predict the effect of missense changes on protein structure and function are either unavailable or do not agree on the potential impact of this missense change (SIFT: "Not Available"; PolyPhen-2: "Possibly Damaging"; Align-GVGD: "Not Available"). In summary, the available evidence is currently insufficient to determine the role of this variant in disease. Therefore, it has been classified as a Variant of Uncertain Significance. This variant has not been reported in the literature in individuals affected with MOCS1-related conditions.